The following is an entry in ClinVar:

ClinVar aggregate classification (germline): Uncertain significance (1 of 4 stars; one submission).

Conditions:
Frontotemporal dementia and/or amyotrophic lateral sclerosis 1 (FTDALS1). Also called: C9orf72 Frontotemporal Dementia and/or Amyotrophic Lateral Sclerosis; Frontotemporal dementia with motor neuron disease 1. Identifiers: Orphanet 275872, MedGen C5779877, MONDO:0007105, OMIM 105550.
Paget disease of bone 2, early-onset (PDB2). Also called: Paget disease of bone 2. Identifiers: MedGen C4085251, MONDO:0011183, OMIM 602080.

Submission:

Labcorp Genetics (formerly Invitae), Labcorp
Classification: Uncertain significance for Paget disease of bone 2, early-onset; Frontotemporal dementia and/or amyotrophic lateral sclerosis 1. Last evaluated: 2025-08-02. Review status: criteria provided, single submitter. Criteria: Invitae Variant Classification Sherloc (09022015). Collection method: clinical testing. Allele origin: germline.
Comment: This variant, c.349_351del, results in the deletion of 1 amino acid(s) of the SQSTM1 protein (p.Ala117del), but otherwise preserves the integrity of the reading frame. This variant is not present in population databases (gnomAD no frequency). This variant has not been reported in the literature in individuals affected with SQSTM1-related conditions. Experimental studies and prediction algorithms are not available or were not evaluated, and the functional significance of this variant is currently unknown. In summary, the available evidence is currently insufficient to determine the role of this variant in disease. Therefore, it has been classified as a Variant of Uncertain Significance.

NM_003900.5(SQSTM1):c.349_351del (p.Ala117del)

Gene: SQSTM1 (sequestosome 1; plus strand). Cytogenetic location: 5q35.3.
Variant type: Deletion.
Coding change: c.349_351del on transcript NM_003900.5 (MANE Select); coding-DNA positions 349 to 351, 3 bases deleted (GCG; older notation c.349_351delGCG).
Protein change: p.Ala117del; deletes alanine 117.
Genome position (GRCh38, 1-based): chr5:179,823,905-179,823,907, GCG deleted; deleting any 3 consecutive bases within chr5:179,823,904-179,823,907 gives the same sequence; the c. name uses the placement nearest the transcript's 3' end. VCF-style (leftmost placement, unchanged base first): chr5-179823903-AGGC-A. GRCh37 (hg19) VCF-style: chr5-179250903-AGGC-A.
Other names: c.97_99del, p.Ala33del (NM_001142298.2, NM_001142299.2); short protein forms A117del, A33del.
Identifiers: ClinVar variation 4785764 (VCV004785764.1).